The following is an entry in ClinVar:

NM_001367498.1(CNTNAP5):c.3587C>T (p.Thr1196Met)

Gene: CNTNAP5 (contactin associated protein family member 5; plus strand). Cytogenetic location: 2q14.3.
Variant type: single nucleotide variant.
Coding change: c.3587C>T on transcript NM_001367498.1 (MANE Select); coding-DNA position 3587, C replaced by T.
Protein change: p.Thr1196Met; replaces threonine 1196 with methionine.
Molecular consequence: missense variant.
Genome position (GRCh38, 1-based): chr2:124,903,032, C>T. VCF-style: chr2-124903032-C-T. GRCh37 (hg19) VCF-style: chr2-125660609-C-T.
Other names: c.3584C>T, p.Thr1195Met (NM_130773.4); short protein forms T1195M, T1196M.
Identifiers: ClinVar variation 3056415 (VCV003056415.2), dbSNP rs34165507, ClinGen allele CA1856474.

ClinVar aggregate classification (germline): Benign (0 of 4 stars; one submission).

Conditions:
CNTNAP5-related disorder. Also called: CNTNAP5-related condition.

Allele frequency attached by ClinVar (database versions not stated): 1000 Genomes Project 30x 0.00812; 1000 Genomes Project 0.00819; gnomAD 0.01480; ESP Exome Variant Server 0.01796.
gnomAD v4.1: 32,516 of 1,607,612 alleles (2%); highest among the groups gnomAD compares: Non-Finnish European, 2.3%; 393 homozygotes.

Submission:

PreventionGenetics, part of Exact Sciences
Classification: Benign for CNTNAP5-related condition. Last evaluated: 2019-05-24. Review status: no assertion criteria provided. Collection method: clinical testing. Allele origin: germline.
Comment: This variant is classified as benign based on ACMG/AMP sequence variant interpretation guidelines (Richards et al. 2015 PMID: 25741868, with internal and published modifications).